The following is an entry in ClinVar:

ClinVar aggregate classification (germline): Uncertain significance (1 of 4 stars; one submission).

Conditions:
Gorlin syndrome. Also called: Basal cell nevus syndrome; Nevoid Basal Cell Carcinoma Syndrome. Identifiers: Orphanet 377, MedGen C0004779, MONDO:0007187.
Medulloblastoma (MDB). Also called: MEDULLOBLASTOMA PREDISPOSITION SYNDROME; Medulloblastoma, somatic. Identifiers: Orphanet 616, MedGen C0025149, MeSH D008527, MONDO:0007959, OMIM 155255, HP:0002885.

Submission:

Labcorp Genetics (formerly Invitae), Labcorp
Classification: Uncertain significance for Gorlin syndrome; Medulloblastoma. Last evaluated: 2020-12-19. Review status: criteria provided, single submitter. Criteria: Invitae Variant Classification Sherloc (09022015). Collection method: clinical testing. Allele origin: germline.
Comment: This sequence change replaces glycine with arginine at codon 216 of the SUFU protein (p.Gly216Arg). The glycine residue is highly conserved and there is a moderate physicochemical difference between glycine and arginine. This variant is not present in population databases (ExAC no frequency). In summary, the available evidence is currently insufficient to determine the role of this variant in disease. Therefore, it has been classified as a Variant of Uncertain Significance. Algorithms developed to predict the effect of missense changes on protein structure and function (SIFT, PolyPhen-2, Align-GVGD) all suggest that this variant is likely to be disruptive, but these predictions have not been confirmed by published functional studies and their clinical significance is uncertain. This variant has not been reported in the literature in individuals with SUFU-related conditions.

NM_016169.4(SUFU):c.646G>A (p.Gly216Arg)

Gene: SUFU (SUFU negative regulator of hedgehog signaling; plus strand). Cytogenetic location: 10q24.32.
Variant type: single nucleotide variant.
Coding change: c.646G>A on transcript NM_016169.4 (MANE Select); coding-DNA position 646, G replaced by A.
Protein change: p.Gly216Arg; replaces glycine 216 with arginine.
Molecular consequence: missense variant.
Genome position (GRCh38, 1-based): chr10:102,593,684, G>A. VCF-style: chr10-102593684-G-A. GRCh37 (hg19) VCF-style: chr10-104353441-G-A.
Other names: c.646G>A, p.Gly216Arg (NM_001178133.2); short protein forms G216R.
Identifiers: ClinVar variation 956489 (VCV000956489.10), dbSNP rs2063429038, ClinGen allele CA377909536.